The following is an entry in ClinVar:

ClinVar aggregate classification (germline): Likely pathogenic (1 of 4 stars; one submission).

Conditions:
Intellectual disability, autosomal recessive 53 (NEDHSCA). Also called: GLYCOSYLPHOSPHATIDYLINOSITOL BIOSYNTHESIS DEFECT 13; Mental retardation, autosomal recessive 53; NEURODEVELOPMENTAL DISORDER WITH OR WITHOUT HYPOTONIA, SEIZURES, AND CEREBELLAR ATROPHY. Identifiers: Orphanet 488635, MedGen C4310794, MONDO:0014832, OMIM 616917.

gnomAD v4.1: 3 of 1,610,402 alleles (0.00019%); highest among the groups gnomAD compares: East Asian, 0.0045%; no homozygotes.

Submission:

3billion
Classification: Likely pathogenic for Intellectual disability, autosomal recessive 53. Last evaluated: 2025-05-19. Review status: criteria provided, single submitter. Criteria: ACMG Guidelines, 2015. Collection method: clinical testing. Allele origin: germline. Affected: yes.
Comment: The variant is observed at an extremely low frequency in the gnomAD v4.1.0 dataset (total allele frequency: <0.001%). Predicted Consequence/Location: Stop-gained (nonsense): predicted to result in a loss or disruption of normal protein function through nonsense-mediated decay (NMD) or protein truncation. Multiple pathogenic variants are reported downstream of the variant. Therefore, this variant is classified as Likely pathogenic according to the recommendation of ACMG/AMP guideline.

NM_001127178.3(PIGG):c.751C>T (p.Gln251Ter)

Gene: PIGG (phosphatidylinositol glycan anchor biosynthesis class G (EMM blood group); plus strand). Cytogenetic location: 4p16.3.
Variant type: single nucleotide variant.
Coding change: c.751C>T on transcript NM_001127178.3 (MANE Select); coding-DNA position 751, C replaced by T.
Protein change: p.Gln251Ter; replaces glutamine 251 with a stop codon.
Molecular consequence: nonsense. On other transcripts: 5 prime UTR variant (4), non-coding transcript variant (10), intron variant (1).
Genome position (GRCh38, 1-based): chr4:507,585, C>T. VCF-style: chr4-507585-C-T. GRCh37 (hg19) VCF-style: chr4-501374-C-T.
Other names: c.484C>T, p.Gln162Ter (NM_001289051.2, NM_001289053.2, NM_001289057.2 and 2 more transcripts); c.385C>T, p.Gln129Ter (NM_001289055.2); c.-137C>T (NM_001345988.2); c.751C>T, p.Gln251Ter (NM_001345989.2, NM_017733.5); c.-875C>T (NM_001345990.2); c.-737C>T (NM_001345991.2); c.-462C>T (NM_001345994.2); c.361-1244C>T (NM_001289052.2); short protein forms Q129*, Q162*, Q251*.
Identifiers: ClinVar variation 4854769 (VCV004854769.1).